The following is an entry in ClinVar:

NM_001330588.2(TPP2):c.940-17C>G

Gene: TPP2 (tripeptidyl peptidase 2; plus strand). Cytogenetic location: 13q33.1.
Variant type: single nucleotide variant.
Coding change: c.940-17C>G on transcript NM_001330588.2 (MANE Select); 17 bases into the intron before coding-DNA position 940, C replaced by G.
Molecular consequence: intron variant.
Genome position (GRCh38, 1-based): chr13:102,627,831, C>G. VCF-style: chr13-102627831-C-G. GRCh37 (hg19) VCF-style: chr13-103280181-C-G.
Other names: c.940-17C>G (NM_001367947.1, NM_003291.4).
Identifiers: ClinVar variation 4780528 (VCV004780528.1).
Genomic context (GRCh38, chr13:102,627,831, plus strand): 5'-TATATATGCCCTTATTTTACTGGCTAATCTGTTTCTGTAAATTGCTGCCTAAACTAGAGT[C>G]TTAATCTCTTTAATAGATGATAGAAGTTATAAATCATAAGTGTGATCTTGTCAACTACAG-3'

ClinVar aggregate classification (germline): Uncertain significance (1 of 4 stars; one submission).

Conditions:
Evans syndrome, immunodeficiency, and premature immunosenescence associated with tripeptidyl-peptidase II deficiency. Identifiers: MedGen CN231723. Disease mechanism: loss of function.

gnomAD v4.1: 2 of 1,597,126 alleles (0.00013%); highest among the groups gnomAD compares: Admixed American, 0.0034%; no homozygotes.

Submission:

Labcorp Genetics (formerly Invitae), Labcorp
Classification: Uncertain significance for Evans syndrome, immunodeficiency, and premature immunosenescence associated with tripeptidyl-peptidase II deficiency. Last evaluated: 2026-01-05. Review status: criteria provided, single submitter. Criteria: Invitae Variant Classification Sherloc (09022015). Collection method: clinical testing. Allele origin: germline.
Comment: This sequence change falls in intron 7 of the TPP2 gene. It does not directly change the encoded amino acid sequence of the TPP2 protein. This variant is present in population databases (rs779199545, gnomAD 0.006%). This variant has not been reported in the literature in individuals affected with TPP2-related conditions. Algorithms developed to predict the effect of sequence changes on RNA splicing suggest that this variant may disrupt the consensus splice site. In summary, the available evidence is currently insufficient to determine the role of this variant in disease. Therefore, it has been classified as a Variant of Uncertain Significance.